The following is an entry in ClinVar:

ClinVar aggregate classification (germline): Uncertain significance (1 of 4 stars; one submission).

Conditions:
Dyskeratosis congenita. Identifiers: Orphanet 1775, MedGen C0265965, MONDO:0015780.

Submission:

Labcorp Genetics (formerly Invitae), Labcorp
Classification: Uncertain significance for Dyskeratosis congenita. Last evaluated: 2024-08-22. Review status: criteria provided, single submitter. Criteria: Invitae Variant Classification Sherloc (09022015). Collection method: clinical testing. Allele origin: germline.
Comment: This sequence change replaces methionine, which is neutral and non-polar, with isoleucine, which is neutral and non-polar, at codon 79 of the NHP2 protein (p.Met79Ile). This variant is not present in population databases (gnomAD no frequency). This variant has not been reported in the literature in individuals affected with NHP2-related conditions. ClinVar contains an entry for this variant (Variation ID: 576605). An algorithm developed to predict the effect of missense changes on protein structure and function (PolyPhen-2) suggests that this variant is likely to be tolerated. In summary, the available evidence is currently insufficient to determine the role of this variant in disease. Therefore, it has been classified as a Variant of Uncertain Significance.

NM_017838.4(NHP2):c.237G>A (p.Met79Ile)

Gene: NHP2 (NHP2 ribonucleoprotein; minus strand). Cytogenetic location: 5q35.3.
Variant type: single nucleotide variant.
Coding change: c.237G>A on transcript NM_017838.4 (MANE Select); coding-DNA position 237, G replaced by A.
Protein change: p.Met79Ile; replaces methionine 79 with isoleucine.
Molecular consequence: missense variant. On other transcripts: intron variant (1).
Genome position (GRCh38, 1-based): chr5:178,150,987, C>T on the plus strand (G>A on the coding strand, the complement: NHP2 is on the minus strand). VCF-style: chr5-178150987-C-T. GRCh37 (hg19) VCF-style: chr5-177577988-C-T.
Other names: c.231-1149G>A (NM_001034833.2); short protein forms M79I.
Identifiers: ClinVar variation 576605 (VCV000576605.8), dbSNP rs1561644268, ClinGen allele CA362391924.
Genomic context (GRCh38, chr5:178,150,987, plus strand): 5'-CTCACACATGACTGGGAGATGGCAGTATACCTCAATGGGCAGTGTGTCTCCTGCCAAAAC[C>T]ATGATCCTGAAATGAGAGAAAACACTGTCATCTCTGGCTTGCTCCTTCCTTCTTTCAGTT-3'
Protein context (NP_060308.1, residues 69-89): KFVNKGEKGI[Met79Ile]VLAGDTLPIE